The following is an entry in ClinVar:

ClinVar aggregate classification (germline): Uncertain significance (1 of 4 stars; one submission).

Submission:

Women's Health and Genetics/Laboratory Corporation of America, LabCorp
Classification: Uncertain significance. Last evaluated: 2019-04-29. Review status: criteria provided, single submitter. Criteria: LabCorp Variant Classification Summary - May 2015. Collection method: clinical testing. Allele origin: germline.
Comment: Variant summary: RYR2 c.6838C>G (p.Leu2280Val) results in a conservative amino acid change located in the RIH domain of the encoded protein sequence. Four of five in-silico tools predict a damaging effect of the variant on protein function. The variant was absent in 249272 control chromosomes (gnomAD). The available data on variant occurrences in the general population are insufficient to allow any conclusion about variant significance. To our knowledge, no occurrence of c.6838C>G in individuals affected with Arrhythmia and no experimental evidence demonstrating its impact on protein function have been reported. No clinical diagnostic laboratories have submitted clinical-significance assessments for this variant to ClinVar after 2014. Based on the evidence outlined above, the variant was classified as uncertain significance.

NM_001035.3(RYR2):c.6838C>G (p.Leu2280Val)

Gene: RYR2 (ryanodine receptor 2; plus strand). Cytogenetic location: 1q43.
Variant type: single nucleotide variant.
Coding change: c.6838C>G on transcript NM_001035.3 (MANE Select); coding-DNA position 6838, C replaced by G.
Protein change: p.Leu2280Val; replaces leucine 2280 with valine.
Molecular consequence: missense variant.
Genome position (GRCh38, 1-based): chr1:237,638,402, C>G. VCF-style: chr1-237638402-C-G. GRCh37 (hg19) VCF-style: chr1-237801702-C-G.
Other names: short protein forms L2280V.
Identifiers: ClinVar variation 928855 (VCV000928855.1), dbSNP rs1681098060, ClinGen allele CA345395515.